The following is an entry in ClinVar:

NM_004415.4(DSP):c.1089G>C (p.Gln363His)

Gene: DSP (desmoplakin; plus strand). Cytogenetic location: 6p24.3.
Variant type: single nucleotide variant.
Coding change: c.1089G>C on transcript NM_004415.4 (MANE Select); coding-DNA position 1089, G replaced by C.
Protein change: p.Gln363His; replaces glutamine 363 with histidine.
Molecular consequence: missense variant.
Genome position (GRCh38, 1-based): chr6:7,567,398, G>C. VCF-style: chr6-7567398-G-C. GRCh37 (hg19) VCF-style: chr6-7567631-G-C.
Other names: c.1089G>C, p.Gln363His (NM_001008844.3, NM_001319034.2, NM_001406591.1); short protein forms Q363H.
Identifiers: ClinVar variation 2775268 (VCV002775268.8), dbSNP rs751246453, ClinGen allele CA026949.

ClinVar aggregate classification (germline): Conflicting classifications of pathogenicity. Review status: criteria provided, conflicting classifications (1 of 4 stars). 5 submissions from 5 submitters: Uncertain significance (4); Likely benign (1). Last evaluated 2025-06-15.

Conditions:
Arrhythmogenic right ventricular dysplasia 8 (ARVD8). Also called: Arrhythmogenic Right Ventricular Dysplasia/Cardiomyopathy 8; ARRHYTHMOGENIC RIGHT VENTRICULAR DYSPLASIA, FAMILIAL, 8; ARRHYTHMOGENIC RIGHT VENTRICULAR CARDIOMYOPATHY 8. Identifiers: MedGen C1843896, MONDO:0011831, OMIM 607450.
Arrhythmogenic cardiomyopathy with wooly hair and keratoderma. Also called: PALMOPLANTAR KERATODERMA WITH LEFT VENTRICULAR CARDIOMYOPATHY AND WOOLLY HAIR; Dilated cardiomyopathy with woolly hair and keratoderma; Arrhythmogenic cardiomyopathy with woolly hair and keratoderma; Carvajal syndrome. Identifiers: Orphanet 65282, MedGen C1854063, MONDO:0011581, OMIM 605676.
Cardiomyopathy (CMYO). Also called: Cardiomyopathies. Identifiers: Orphanet 167848, MedGen C0878544, MONDO:0004994, HP:0001638. Inheritance: Various modes of inheritance.
Cardiovascular phenotype. Identifiers: MedGen CN230736.

Allele frequency attached by ClinVar (database versions not stated): gnomAD exomes below 0.00001; ExAC 0.00001.
gnomAD v4.1: 5 of 1,614,058 alleles (0.00031%); highest among the groups gnomAD compares: South Asian, 0.0033%; no homozygotes.

Submissions (5):

Ambry Genetics
Classification: Uncertain significance for Cardiovascular phenotype. Last evaluated: 2025-06-15. Review status: criteria provided, single submitter. Criteria: Ambry Variant Classification Scheme 2023. Collection method: clinical testing. Allele origin: germline.
Comment: The p.Q363H variant (also known as c.1089G>C), located in coding exon 9 of the DSP gene, results from a G to C substitution at nucleotide position 1089. The glutamine at codon 363 is replaced by histidine, an amino acid with highly similar properties. This amino acid position is conserved. In addition, this alteration is predicted to be deleterious by in silico analysis. Based on the available evidence, the clinical significance of this variant remains unclear.

Labcorp Genetics (formerly Invitae), Labcorp
Classification: Likely benign for Arrhythmogenic cardiomyopathy with wooly hair and keratoderma; Arrhythmogenic right ventricular dysplasia 8. Last evaluated: 2025-04-17. Review status: criteria provided, single submitter. Criteria: Invitae Variant Classification Sherloc (09022015). Collection method: clinical testing. Allele origin: germline.

Color Diagnostics, LLC DBA Color Health
Classification: Uncertain significance for Cardiomyopathy. Last evaluated: 2025-04-14. Review status: criteria provided, single submitter. Criteria: ACMG Guidelines, 2015. Collection method: clinical testing. Allele origin: germline.
Comment: This missense variant replaces glutamine with histidine at codon 363 of the DSP protein. Computational prediction suggests that this variant may have deleterious impact on protein structure and function (internally defined REVEL score threshold >= 0.7, PMID: 27666373). To our knowledge, functional studies have not been reported for this variant. This variant has not been reported in individuals affected with DSP-related disorders in the literature. This variant has been identified in 1/251272 chromosomes in the general population by the Genome Aggregation Database (gnomAD). The available evidence is insufficient to determine the role of this variant in disease conclusively. Therefore, this variant is classified as a Variant of Uncertain Significance.

GeneDx
Classification: Uncertain significance. Last evaluated: 2024-12-11. Review status: criteria provided, single submitter. Criteria: GeneDx Variant Classification Process June 2021. Collection method: clinical testing. Allele origin: germline. Affected: yes.
Comment: Not observed at significant frequency in large population cohorts (gnomAD); In silico analysis supports that this missense variant has a deleterious effect on protein structure/function

All of Us Research Program, National Institutes of Health
Classification: Uncertain significance for Arrhythmogenic cardiomyopathy with wooly hair and keratoderma. Last evaluated: 2023-06-26. Review status: criteria provided, single submitter. Criteria: ACMG Guidelines, 2015. Collection method: clinical testing. Allele origin: germline. Inheritance: Autosomal dominant inheritance. Observed: 1 variant allele, 1 heterozygote.
Comment: This missense variant replaces glutamine with histidine at codon 363 of the DSP protein. Computational prediction suggests that this variant may have deleterious impact on protein structure and function (internally defined REVEL score threshold >= 0.7, PMID: 27666373). To our knowledge, functional studies have not been reported for this variant. This variant has not been reported in individuals affected with DSP-related disorders in the literature. This variant has been identified in 1/251272 chromosomes in the general population by the Genome Aggregation Database (gnomAD). The available evidence is insufficient to determine the role of this variant in disease conclusively. Therefore, this variant is classified as a Variant of Uncertain Significance.

This study involves interpretation of variants in research participants for the purpose of population health screening. Participant phenotype was not available at the time of variant classification. Additional details can be found in publication PMID: 35346344, PMCID: PMC8962531